The following is an entry in ClinVar:

NM_001001957.2(OR2W3):c.502del (p.Arg168fs)

Gene: OR2W3 (olfactory receptor family 2 subfamily W member 3; plus strand). Cytogenetic location: 1q44.
Variant type: Deletion.
Coding change: c.502del on transcript NM_001001957.2 (MANE Select); coding-DNA position 502, one base deleted (C; older notation c.502delC).
Protein change: p.Arg168fs; shifts the reading frame from arginine 168.
Molecular consequence: frameshift variant.
Genome position (GRCh38, 1-based): chr1:247,896,088, C deleted; the last of 4 consecutive C bases (chr1:247,896,085-247,896,088); deleting any one gives the same sequence. VCF-style (leftmost placement, unchanged base first): chr1-247896084-AC-A. GRCh37 (hg19) VCF-style: chr1-248059386-AC-A.
Other names: short protein forms R168fs.
Identifiers: ClinVar variation 4769039 (VCV004769039.1).
Genomic context (GRCh38, chr1:247,896,084, plus strand): 5'-AGTGACCTGGGGCTGTGGGGTGGCCAACTCCTTGGCCATGTCTCCTGTGACCCTGCGCTT[AC>A]CCCGCTGTGGGCACCACGAGGTGGACCACTTCCTGCGTGAGATGCCCGCCCTGATCCGGA-3'

ClinVar aggregate classification (germline): Uncertain significance (1 of 4 stars; one submission).

Submission:

Labcorp Genetics (formerly Invitae), Labcorp
Classification: Uncertain significance. Last evaluated: 2025-12-14. Review status: criteria provided, single submitter. Criteria: Invitae Variant Classification Sherloc (09022015). Collection method: clinical testing. Allele origin: germline.
Comment: This sequence change creates a premature translational stop signal (p.Arg168Alafs*17) in the OR2W3 gene. While this is not anticipated to result in nonsense mediated decay, it is expected to disrupt the last 147 amino acid(s) of the OR2W3 protein. This variant is not present in population databases (gnomAD no frequency). This variant has not been reported in the literature in individuals affected with OR2W3-related conditions. Experimental studies and prediction algorithms are not available or were not evaluated, and the functional significance of this variant is currently unknown. In summary, the available evidence is currently insufficient to determine the role of this variant in disease. Therefore, it has been classified as a Variant of Uncertain Significance.